The following is an entry in ClinVar:

ClinVar aggregate classification (germline): Uncertain significance (1 of 4 stars; one submission).

Submission:

Dasa
Classification: Uncertain significance. Last evaluated: 2025-07-30. Review status: criteria provided, single submitter. Criteria: DASA Assertion Criteria. Collection method: clinical testing. Allele origin: germline.
Comment: NM_001378418.1(TCF20):c.2149G>C (p.Val717Leu) is a missense variant that results in the substitution of valine with leucine. This variant is absent from population databases. Computational prediction algorithms are consistent with a benign effect. The currently available literature and clinical evidence are not sufficient to establish a definitive association between this variant and the reported condition. Therefore, this variant is classified as a variant of uncertain significance.

NM_001378418.1(TCF20):c.2149G>C (p.Val717Leu)

Gene: TCF20 (transcription factor 20; minus strand). Cytogenetic location: 22q13.2.
Variant type: single nucleotide variant.
Coding change: c.2149G>C on transcript NM_001378418.1 (MANE Select); coding-DNA position 2149, G replaced by C.
Protein change: p.Val717Leu; replaces valine 717 with leucine.
Molecular consequence: missense variant.
Genome position (GRCh38, 1-based): chr22:42,213,157, C>G on the plus strand (G>C on the coding strand, the complement: TCF20 is on the minus strand). VCF-style: chr22-42213157-C-G. GRCh37 (hg19) VCF-style: chr22-42609163-C-G.
Other names: c.2149G>C, p.Val717Leu (NM_181492.3, NM_005650.4); short protein forms V717L.
Identifiers: ClinVar variation 4883794 (VCV004883794.2).
Genomic context (GRCh38, chr22:42,213,157, plus strand): 5'-TGAAATCTCCCTTTTCTTGCCCTGTAGGATACTGAGGAAAGCCACTGACATTTCGTGGCA[C>G]GGCTGACCCGAAACTATCTTTGTAACTATAGCGCAGACTTCCAGGAGATTTGCTAGGCTC-3'
Protein context (NP_001365347.1, residues 707-727): YSYKDSFGSA[Val717Leu]PRNVSGFPQY